The following is an entry in ClinVar:

NM_000051.4(ATM):c.1495dup (p.Gln499fs)

Gene: ATM (ATM serine/threonine kinase; plus strand). Cytogenetic location: 11q22.3.
Variant type: Duplication.
Coding change: c.1495dup on transcript NM_000051.4 (MANE Select); coding-DNA position 1495, one base duplicated (C; older notation c.1495dupC).
Protein change: p.Gln499fs; shifts the reading frame from glutamine 499.
Molecular consequence: frameshift variant.
Genome position (GRCh38, 1-based): chr11:108,250,960, C duplicated. VCF-style (leftmost placement, unchanged base first): chr11-108250959-G-GC. GRCh37 (hg19) VCF-style: chr11-108121686-G-GC.
Other names: c.1495dup, p.Gln499fs (NM_001351834.2); short protein forms Q499fs.
Identifiers: ClinVar variation 3649270 (VCV003649270.2).
Genomic context (GRCh38, chr11:108,250,959, plus strand): 5'-AGATTTATTAAAACTCTGGAATAAAATTTGGTGTATTACCTTTCGTGGTATAAGTTCTGA[G>GC]CAAATACAAGCTGAAAACTTTGGCTTACTTGGAGCCATAATTCAGGGTAGTTTAGTTGAG-3'

ClinVar aggregate classification (germline): Pathogenic (1 of 4 stars; one submission).

Conditions:
Ataxia-telangiectasia syndrome (AT). Also called: ATAXIA-TELANGIECTASIA, COMPLEMENTATION GROUP A; ATAXIA-TELANGIECTASIA, FRESNO VARIANT; LOUIS-BAR SYNDROME; Ataxia-telangiectasia, complementation group D; Ataxia-telangiectasia, complementation group E; Cerebello-oculocutaneous telangiectasia. Identifiers: Orphanet 100, MedGen C0004135, MONDO:0008840, OMIM 208900.

Submission:

Labcorp Genetics (formerly Invitae), Labcorp
Classification: Pathogenic for Ataxia-telangiectasia syndrome. Last evaluated: 2025-08-07. Review status: criteria provided, single submitter. Criteria: Invitae Variant Classification Sherloc (09022015). Collection method: clinical testing. Allele origin: germline.
Comment: This sequence change creates a premature translational stop signal (p.Gln499Profs*5) in the ATM gene. It is expected to result in an absent or disrupted protein product. Loss-of-function variants in ATM are known to be pathogenic (PMID: 23807571, 25614872). This variant is not present in population databases (gnomAD no frequency). This variant has not been reported in the literature in individuals affected with ATM-related conditions. ClinVar contains an entry for this variant (Variation ID: 3649270). For these reasons, this variant has been classified as Pathogenic.

Literature cited by the submitters: PubMed 23807571; PubMed 25614872.